The following is an entry in ClinVar:

ClinVar aggregate classification (germline): Pathogenic (1 of 4 stars; one submission).

Conditions:
X-linked chondrodysplasia punctata 1 (CDPX1). Also called: CHONDRODYSPLASIA PUNCTATA, BRACHYTELEPHALANGIC; Chondrodysplasia punctata, X-linked recessive. Identifiers: Orphanet 79345, MedGen C3669395, MONDO:0010555, OMIM 302950.

Submission:

Juno Genomics, Hangzhou Juno Genomics, Inc
Classification: Pathogenic for X-linked chondrodysplasia punctata 1. Review status: criteria provided, single submitter. Criteria: ACMG Guidelines, 2015. Collection method: clinical testing. Allele origin: germline. Affected: yes.
Comment: Absent from controls (or at extremely low frequency if recessive) in Genome Aggregation Database, Exome Sequencing Project, 1000 Genomes Project, or Exome Aggregation Consortium.;Null variant in a gene where loss of function (LOF) is a known mechanism of disease.;Patient's phenotype or family history is highly specific for a disease with a single genetic etiology.

NM_000047.3(ARSL):c.827del (p.Leu276fs)

Gene: ARSL (arylsulfatase L; minus strand). Cytogenetic location: Xp22.33.
Variant type: Deletion.
Coding change: c.827del on transcript NM_000047.3 (MANE Select); coding-DNA position 827, one base deleted (T; older notation c.827delT).
Protein change: p.Leu276fs; shifts the reading frame from leucine 276.
Molecular consequence: frameshift variant.
Genome position (GRCh38, 1-based): chrX:2,949,331, A deleted on the plus strand (T on the coding strand, the reverse complement: ARSL is on the minus strand). VCF-style (leftmost placement, unchanged base first): chrX-2949330-CA-C. GRCh37 (hg19) VCF-style: chrX-2867371-CA-C.
Other names: c.902del, p.Leu301fs (NM_001282628.2, NM_001369080.1); c.665del, p.Leu222fs (NM_001282631.2); c.854del, p.Leu285fs (NM_001369079.1); short protein forms L222fs, L276fs, L285fs, L301fs.
Identifiers: ClinVar variation 3382548 (VCV003382548.2).